The following is an entry in ClinVar:

NM_000069.3(CACNA1S):c.5160G>C (p.Glu1720Asp)

Gene: CACNA1S (calcium voltage-gated channel subunit alpha1 S; minus strand). Cytogenetic location: 1q32.1.
Variant type: single nucleotide variant.
Coding change: c.5160G>C on transcript NM_000069.3 (MANE Select); coding-DNA position 5160, G replaced by C.
Protein change: p.Glu1720Asp; replaces glutamic acid 1720 with aspartic acid.
Molecular consequence: missense variant.
Genome position (GRCh38, 1-based): chr1:201,040,688, C>G on the plus strand (G>C on the coding strand, the complement: CACNA1S is on the minus strand). VCF-style: chr1-201040688-C-G. GRCh37 (hg19) VCF-style: chr1-201009816-C-G.
Other names: short protein forms E1720D.
Identifiers: ClinVar variation 4281787 (VCV004281787.2).
Genomic context (GRCh38, chr1:201,040,688, plus strand): 5'-GGGGGCAGGAGGTGCCTGGCCTCTGGGCATTGCCCTCTGGGTCAGCAGTCCCTTCAGCAT[C>G]TCCACACAGGGTTTGCTGTGGGGTCCTGTATGCAAGAAGGGGCAAGGATAAGAGGGGCTG-3'
Protein context (NP_000060.2, residues 1710-1730): VLGPHSKPCV[Glu1720Asp]MLKGLLTQRA

ClinVar aggregate classification (germline): Uncertain significance. Review status: criteria provided, multiple submitters, no conflicts (2 of 4 stars). 2 submissions from 2 submitters: Uncertain significance (2). Last evaluated 2025-07-28.

Conditions:
Malignant hyperthermia, susceptibility to, 5 (MHS5). Also called: CACNA1S-Related Malignant Hyperthermia Susceptibility. Identifiers: Orphanet 423, MedGen C1866077, MONDO:0011163, OMIM 601887.

Submissions (2):

Color Diagnostics, LLC DBA Color Health
Classification: Uncertain significance for Malignant hyperthermia, susceptibility to, 5. Last evaluated: 2025-07-28. Review status: criteria provided, single submitter. Criteria: ACMG Guidelines, 2015. Collection method: clinical testing. Allele origin: germline.
Comment: This missense variant replaces glutamic acid with aspartic acid at codon 1720 of the CACNA1S protein. Computational prediction suggests that this variant may not impact protein structure and function. To our knowledge, functional studies have not been reported for this variant. This variant has not been reported in individuals affected with CACNA1S-related disorders in the literature. This variant has been identified in 3/251200 chromosomes in the general population by the Genome Aggregation Database (gnomAD). The available evidence is insufficient to determine the role of this variant in disease conclusively. Therefore, this variant is classified as a Variant of Uncertain Significance.

GeneDx
Classification: Uncertain significance. Last evaluated: 2025-04-06. Review status: criteria provided, single submitter. Criteria: GeneDx Variant Classification Process June 2021. Collection method: clinical testing. Allele origin: germline. Affected: yes.
Comment: In silico analysis indicates that this missense variant does not alter protein structure/function; Has not been previously published as pathogenic or benign to our knowledge